The following is an entry in ClinVar:

NM_003482.4(KMT2D):c.10410G>T (p.Leu3470=)

Gene: KMT2D (lysine methyltransferase 2D; minus strand). Cytogenetic location: 12q13.12.
Variant type: single nucleotide variant.
Coding change: c.10410G>T on transcript NM_003482.4 (MANE Select); coding-DNA position 10410, G replaced by T.
Protein change: p.Leu3470=; no amino-acid change (leucine 3470 retained).
Molecular consequence: synonymous variant.
Genome position (GRCh38, 1-based): chr12:49,034,612, C>A on the plus strand (G>T on the coding strand, the complement: KMT2D is on the minus strand). VCF-style: chr12-49034612-C-A. GRCh37 (hg19) VCF-style: chr12-49428395-C-A.
Identifiers: ClinVar variation 1330394 (VCV001330394.35), dbSNP rs747438612, ClinGen allele CA6546519.
Genomic context (GRCh38, chr12:49,034,612, plus strand): 5'-ACAAGTTCCTACTCCCACCTGACCACTTACCTGGCCACTCCCAGCTGCCACATGGTTCTG[C>A]AGATCACTGCTAGGTCCCCCCGAGAGCCTCTGGGCTAGCAGAGACACTTGCTGTCTGGAG-3'
Protein context (NP_003473.3, residues 3460-3480): QRLSGGPSSD[Leu3470=]QNHVAAGSGQ

ClinVar aggregate classification (germline): Benign/Likely benign. Review status: criteria provided, multiple submitters, no conflicts (2 of 4 stars). 3 submissions from 3 submitters: Benign (1); Likely benign (2). Last evaluated 2025-11-18.

Conditions:
Kabuki syndrome. Also called: NIIKAWA-KUROKI SYNDROME; Kabuki make-up syndrome. Identifiers: Orphanet 2322, MedGen C0796004, MONDO:0016512.
Kabuki syndrome 1 (KABUK1). Also called: KMT2D-Related Kabuki Syndrome. Identifiers: Orphanet 2322, MedGen CN030661, MONDO:0007843, OMIM 147920.

Allele frequency attached by ClinVar (database versions not stated): ExAC 0.00001; gnomAD 0.00001; gnomAD exomes 0.00001; TOPMed 0.00002.
gnomAD v4.1: 15 of 1,613,516 alleles (0.00093%); highest among the groups gnomAD compares: African/African-American, 0.0013%; no homozygotes.

Submissions (3):

Labcorp Genetics (formerly Invitae), Labcorp
Classification: Benign for Kabuki syndrome. Last evaluated: 2025-11-18. Review status: criteria provided, single submitter. Criteria: Invitae Variant Classification Sherloc (09022015). Collection method: clinical testing. Allele origin: germline.

CeGaT Center for Human Genetics Tuebingen
Classification: Likely benign. Last evaluated: 2022-05-01. Review status: criteria provided, single submitter. Criteria: CeGaT Center For Human Genetics Tuebingen Variant Classification Criteria Version 2. Collection method: clinical testing. Allele origin: germline. Affected: yes. Observed: 1 variant allele.
Comment: KMT2D: BP4, BP7

ARUP Laboratories, Molecular Genetics and Genomics, ARUP Laboratories
Classification: Likely benign for Kabuki syndrome 1. Last evaluated: 2021-09-21. Review status: criteria provided, single submitter. Criteria: ARUP Molecular Germline Variant Investigation Process 2021. Collection method: clinical testing. Allele origin: germline.